The following is an entry in ClinVar:

ClinVar aggregate classification (germline): Likely benign (1 of 4 stars; one submission).

gnomAD v4.1: 12,273 of 1,544,022 alleles (0.79%); highest among the groups gnomAD compares: Non-Finnish European, 0.94%; 63 homozygotes.

Submission:

CeGaT Center for Human Genetics Tuebingen
Classification: Likely benign. Last evaluated: 2024-07-01. Review status: criteria provided, single submitter. Criteria: CeGaT Center For Human Genetics Tuebingen Variant Classification Criteria Version 2. Collection method: clinical testing. Allele origin: germline. Affected: yes. Observed: 1 variant allele.
Comment: DNAH12: PP3, BS2

NM_001366028.2(DNAH12):c.5740G>A (p.Gly1914Ser)

Gene: DNAH12 (dynein axonemal heavy chain 12; minus strand). Cytogenetic location: 3p14.3.
Variant type: single nucleotide variant.
Coding change: c.5740G>A on transcript NM_001366028.2 (MANE Select); coding-DNA position 5740, G replaced by A.
Protein change: p.Gly1914Ser; replaces glycine 1914 with serine.
Molecular consequence: missense variant.
Genome position (GRCh38, 1-based): chr3:57,415,539, C>T on the plus strand (G>A on the coding strand, the complement: DNAH12 is on the minus strand). VCF-style: chr3-57415539-C-T. GRCh37 (hg19) VCF-style: chr3-57401266-C-T.
Other names: short protein forms G1914S.
Identifiers: ClinVar variation 3257629 (VCV003257629.17).
Genomic context (GRCh38, chr3:57,415,539, plus strand): 5'-ACTGGTCCTTTTCCAAGTGATTCATTAGCTTATCCTTCACATACACAGATTTTCCTGTAC[C>T]CGTTGGACCCACAAAAAGGAGTGGCCTTAATGAAAACAATGAATATATTATTCAAAATGG-3'
Protein context (NP_001352957.1, residues 1904-1924): AKPLLFVGPT[Gly1914Ser]TGKSVYVKDK